The following is an entry in ClinVar:

NM_001077418.3(TMEM231):c.865A>G (p.Ile289Val)

Gene: TMEM231 (transmembrane protein 231; minus strand). Cytogenetic location: 16q23.1.
Variant type: single nucleotide variant.
Coding change: c.865A>G on transcript NM_001077418.3 (MANE Select); coding-DNA position 865, A replaced by G.
Protein change: p.Ile289Val; replaces isoleucine 289 with valine.
Molecular consequence: missense variant. On other transcripts: non-coding transcript variant (1).
Genome position (GRCh38, 1-based): chr16:75,540,080, T>C on the plus strand (A>G on the coding strand, the complement: TMEM231 is on the minus strand). VCF-style: chr16-75540080-T-C. GRCh37 (hg19) VCF-style: chr16-75573978-T-C.
Other names: c.1024A>G, p.Ile342Val (NM_001077416.2); short protein forms I289V, I342V.
Identifiers: ClinVar variation 2042720 (VCV002042720.6), dbSNP rs779314743, ClinGen allele CA8176006.
Genomic context (GRCh38, chr16:75,540,080, plus strand): 5'-CTCCCCGGGGCGTCACTGTCACAGGAATGGTGGTCACCACCTGATTCTGAAACACGAAGA[T>C]CTTGATTCTTTCAAACACCCAGAGGAAGATAAGCAGGATGCTGACATACTGCACCCAGGC-3'
Protein context (NP_001070886.1, residues 279-299): IFLWVFERIK[Ile289Val]FVFQNQVVTT

ClinVar aggregate classification (germline): Uncertain significance. Review status: criteria provided, multiple submitters, no conflicts (2 of 4 stars). 4 submissions from 4 submitters: Uncertain significance (3). 1 of the submissions does not count toward it. Last evaluated 2026-01-05.

Conditions:
Inborn genetic diseases. Identifiers: MedGen C0950123, MeSH D030342.
TMEM231-related disorder. Also called: TMEM231-related condition.
Joubert syndrome 20 (JBTS20). Identifiers: Orphanet 475, MedGen C3554235, MONDO:0013994, OMIM 614970.
Meckel syndrome, type 11 (MKS11). Identifiers: Orphanet 564, MedGen C3809352, MONDO:0014164, OMIM 615397.

Submissions (4):

Labcorp Genetics (formerly Invitae), Labcorp
Classification: Uncertain significance for Joubert syndrome 20; Meckel syndrome, type 11. Last evaluated: 2026-01-05. Review status: criteria provided, single submitter. Criteria: Invitae Variant Classification Sherloc (09022015). Collection method: clinical testing. Allele origin: germline.
Comment: This sequence change replaces isoleucine, which is neutral and non-polar, with valine, which is neutral and non-polar, at codon 342 of the TMEM231 protein (p.Ile342Val). This variant is present in population databases (rs779314743, gnomAD 0.002%). This variant has not been reported in the literature in individuals affected with TMEM231-related conditions. ClinVar contains an entry for this variant (Variation ID: 2042720). An algorithm developed to predict the effect of missense changes on protein structure and function outputs the following: PolyPhen-2: "Not Available". The valine amino acid residue is found in multiple mammalian species, which suggests that this missense change does not adversely affect protein function. In summary, the available evidence is currently insufficient to determine the role of this variant in disease. Therefore, it has been classified as a Variant of Uncertain Significance.

GeneDx
Classification: Uncertain significance. Last evaluated: 2024-05-16. Review status: criteria provided, single submitter. Criteria: GeneDx Variant Classification Process June 2021. Collection method: clinical testing. Allele origin: germline. Affected: yes.
Comment: Not observed at significant frequency in large population cohorts (gnomAD); In silico analysis indicates that this missense variant does not alter protein structure/function; Has not been previously published as pathogenic or benign to our knowledge

Ambry Genetics
Classification: Uncertain significance for Inborn genetic diseases. Last evaluated: 2021-11-29. Review status: criteria provided, single submitter. Criteria: Ambry Variant Classification Scheme 2023. Collection method: clinical testing. Allele origin: germline.

PreventionGenetics, part of Exact Sciences
Classification: Uncertain significance for TMEM231-related condition. Last evaluated: 2024-05-16. Review status: no assertion criteria provided. Collection method: clinical testing. Allele origin: germline. Not counted in ClinVar's aggregate classification.
Comment: The TMEM231 c.1024A>G variant is predicted to result in the amino acid substitution p.Ile342Val. To our knowledge, this variant has not been reported in the literature. This variant is reported in 0.0018% of alleles in individuals of European (Non-Finnish) descent in gnomAD. At this time, the clinical significance of this variant is uncertain due to the absence of conclusive functional and genetic evidence.